The following is an entry in ClinVar:

NM_003193.5(TBCE):c.372-39C>T

Gene: TBCE (tubulin folding cofactor E; plus strand). Cytogenetic location: 1q42.3.
Variant type: single nucleotide variant.
Coding change: c.372-39C>T on transcript NM_003193.5 (MANE Select); 39 bases into the intron before coding-DNA position 372, C replaced by T.
Molecular consequence: intron variant. On other transcripts: 5 prime UTR variant (1).
Genome position (GRCh38, 1-based): chr1:235,419,434, C>T. VCF-style: chr1-235419434-C-T. GRCh37 (hg19) VCF-style: chr1-235582749-C-T.
Other names: c.-7C>T (NM_001287802.2); c.372-39C>T (NM_001079515.3, NM_001287801.2).
Identifiers: ClinVar variation 4992767 (VCV004992767.1).

ClinVar aggregate classification (germline): Likely benign (1 of 4 stars; one submission).

Conditions:
TBCE-related disorder. Also called: TBCE-related disorders; TBCE-related condition.

gnomAD v4.1: 190 of 1,613,906 alleles (0.012%); highest among the groups gnomAD compares: African/African-American, 0.11%; no homozygotes.

Submission:

PreventionGenetics, part of Exact Sciences
Classification: Likely benign for TBCE-related condition. Last evaluated: 2025-05-30. Review status: criteria provided, single submitter. Criteria: ACMG Guidelines, 2015. Collection method: clinical testing. Allele origin: germline.
Comment: This variant is classified as likely benign based on ACMG/AMP sequence variant interpretation guidelines (Richards et al. 2015 PMID: 25741868, with internal and published modifications).